The following is an entry in ClinVar:

ClinVar aggregate classification (germline): Uncertain significance (1 of 4 stars; one submission).

gnomAD v4.1: 1 of 1,551,554 alleles (0.000064%); highest among the groups gnomAD compares: Non-Finnish European, 0.000087%; no homozygotes.

Submission:

CeGaT Center for Human Genetics Tuebingen
Classification: Uncertain significance. Last evaluated: 2023-11-01. Review status: criteria provided, single submitter. Criteria: CeGaT Center For Human Genetics Tuebingen Variant Classification Criteria Version 2. Collection method: clinical testing. Allele origin: germline. Affected: yes. Observed: 1 variant allele.
Comment: LOXHD1: PM2

NM_001384474.1(LOXHD1):c.1502G>T (p.Gly501Val)

Gene: LOXHD1 (lipoxygenase homology PLAT domains 1; minus strand). Cytogenetic location: 18q21.1.
Variant type: single nucleotide variant.
Coding change: c.1502G>T on transcript NM_001384474.1 (MANE Select); coding-DNA position 1502, G replaced by T.
Protein change: p.Gly501Val; replaces glycine 501 with valine.
Molecular consequence: missense variant.
Genome position (GRCh38, 1-based): chr18:46,592,514, C>A on the plus strand (G>T on the coding strand, the complement: LOXHD1 is on the minus strand). VCF-style: chr18-46592514-C-A. GRCh37 (hg19) VCF-style: chr18-44172477-C-A.
Other names: c.1502G>T, p.Gly501Val (NM_144612.7); short protein forms G501V.
Identifiers: ClinVar variation 2672728 (VCV002672728.23), dbSNP rs2038190062, ClinGen allele CA402380391.